The following is an entry in ClinVar:

ClinVar aggregate classification (germline): Uncertain significance. Review status: criteria provided, multiple submitters, no conflicts (2 of 4 stars). 2 submissions from 2 submitters: Uncertain significance (2). Last evaluated 2022-05-25.

Conditions:
Renal cell carcinoma. Identifiers: Orphanet 217071, MedGen C0007134, MeSH D002292, MONDO:0005086, HP:0005584.
Hereditary cancer-predisposing syndrome. Also called: Neoplastic Syndromes, Hereditary; Tumor predisposition; Hereditary Cancer Syndrome; Hereditary neoplastic syndrome. Identifiers: Orphanet 140162, MedGen C0027672, MeSH D009386, MONDO:0015356.

gnomAD v4.1: 1 of 1,613,842 alleles (0.000062%); highest among the groups gnomAD compares: African/African-American, 0.0013%; no homozygotes.

Submissions (2):

Ambry Genetics
Classification: Uncertain significance for Hereditary cancer-predisposing syndrome. Last evaluated: 2022-05-25. Review status: criteria provided, single submitter. Criteria: Ambry Variant Classification Scheme 2023. Collection method: clinical testing. Allele origin: germline.
Comment: The p.R992G variant (also known as c.2974A>G), located in coding exon 13 of the MET gene, results from an A to G substitution at nucleotide position 2974. The arginine at codon 992 is replaced by glycine, an amino acid with dissimilar properties. This alteration was identified in 1/1358 non-cancer control individuals and in 0/57 cases, in a study looking at cancer predisposition mutations in patients with cutaneous melanoma and a history of at least two additional non-cutaneous melanoma primary cancers (Pritchard AL et al. PLoS One, 2018 Apr;13:e0194098). This amino acid position is highly conserved in available vertebrate species. In addition, this alteration is predicted to be deleterious by in silico analysis. Since supporting evidence is limited at this time, the clinical significance of this alteration remains unclear.

Labcorp Genetics (formerly Invitae), Labcorp
Classification: Uncertain significance for Renal cell carcinoma. Last evaluated: 2022-02-02. Review status: criteria provided, single submitter. Criteria: Invitae Variant Classification Sherloc (09022015). Collection method: clinical testing. Allele origin: germline.
Comment: In summary, the available evidence is currently insufficient to determine the role of this variant in disease. Therefore, it has been classified as a Variant of Uncertain Significance. Algorithms developed to predict the effect of sequence changes on RNA splicing suggest that this variant may create or strengthen a splice site. Algorithms developed to predict the effect of missense changes on protein structure and function are either unavailable or do not agree on the potential impact of this missense change (SIFT: "Deleterious"; PolyPhen-2: "Probably Damaging"; Align-GVGD: "Class C0"). This variant has not been reported in the literature in individuals affected with MET-related conditions. This variant is not present in population databases (gnomAD no frequency). This sequence change replaces arginine, which is basic and polar, with glycine, which is neutral and non-polar, at codon 992 of the MET protein (p.Arg992Gly).

Literature cited by the submitters: PubMed 29641532 (cited by Ambry Genetics).

NM_000245.4(MET):c.2920A>G (p.Arg974Gly)

Gene: MET (MET proto-oncogene, receptor tyrosine kinase; plus strand). Cytogenetic location: 7q31.2.
Variant type: single nucleotide variant.
Coding change: c.2920A>G on transcript NM_000245.4 (MANE Select); coding-DNA position 2920, A replaced by G.
Protein change: p.Arg974Gly; replaces arginine 974 with glycine.
Molecular consequence: missense variant.
Genome position (GRCh38, 1-based): chr7:116,771,881, A>G. VCF-style: chr7-116771881-A-G. GRCh37 (hg19) VCF-style: chr7-116411935-A-G.
Other names: c.2974A>G, p.Arg992Gly (NM_001127500.3); c.1630A>G, p.Arg544Gly (NM_001324402.2); short protein forms R544G, R974G, R992G.
Identifiers: ClinVar variation 1798315 (VCV001798315.7), dbSNP rs1332049203, ClinGen allele CA368987033.